The following is an entry in ClinVar:

ClinVar aggregate classification (germline): Uncertain significance. Review status: criteria provided, multiple submitters, no conflicts (2 of 4 stars). 3 submissions from 3 submitters: Uncertain significance (3). Last evaluated 2025-03-05.

Conditions:
HSPG2-related disorder. Also called: HSPG2-related disorders; HSPG2-related condition.

Allele frequency attached by ClinVar (database versions not stated): TOPMed 0.00001; ExAC 0.00002; gnomAD 0.00002; gnomAD exomes 0.00006.
gnomAD v4.1: 90 of 1,613,844 alleles (0.0056%); highest among the groups gnomAD compares: Non-Finnish European, 0.0075%; no homozygotes.

Submissions (3):

Labcorp Genetics (formerly Invitae), Labcorp
Classification: Uncertain significance. Last evaluated: 2025-03-05. Review status: criteria provided, single submitter. Criteria: Invitae Variant Classification Sherloc (09022015). Collection method: clinical testing. Allele origin: germline.
Comment: This sequence change replaces aspartic acid, which is acidic and polar, with alanine, which is neutral and non-polar, at codon 396 of the HSPG2 protein (p.Asp396Ala). This variant is present in population databases (rs777592875, gnomAD 0.006%). This variant has not been reported in the literature in individuals affected with HSPG2-related conditions. ClinVar contains an entry for this variant (Variation ID: 1806891). An algorithm developed to predict the effect of missense changes on protein structure and function (PolyPhen-2) suggests that this variant is likely to be disruptive. In summary, the available evidence is currently insufficient to determine the role of this variant in disease. Therefore, it has been classified as a Variant of Uncertain Significance.

PreventionGenetics, part of Exact Sciences
Classification: Uncertain significance for HSPG2-related condition. Last evaluated: 2023-03-14. Review status: criteria provided, single submitter. Criteria: ACMG Guidelines, 2015. Collection method: clinical testing. Allele origin: germline.
Comment: The HSPG2 c.1187A>C variant is predicted to result in the amino acid substitution p.Asp396Ala. To our knowledge, this variant has not been reported in the literature. This variant is reported in 0.0054% of alleles in individuals of European (Non-Finnish) descent in gnomAD. At this time, the clinical significance of this variant is uncertain due to the absence of conclusive functional and genetic evidence.

Athena Diagnostics
Classification: Uncertain significance. Last evaluated: 2022-04-28. Review status: criteria provided, single submitter. Criteria: Athena Diagnostics Criteria. Collection method: clinical testing. Allele origin: unknown.

NM_005529.7(HSPG2):c.1187A>C (p.Asp396Ala)

Gene: HSPG2 (heparan sulfate proteoglycan 2; minus strand). Cytogenetic location: 1p36.12.
Variant type: single nucleotide variant.
Coding change: c.1187A>C on transcript NM_005529.7 (MANE Select); coding-DNA position 1187, A replaced by C.
Protein change: p.Asp396Ala; replaces aspartic acid 396 with alanine.
Molecular consequence: missense variant.
Genome position (GRCh38, 1-based): chr1:21,885,343, T>G on the plus strand (A>C on the coding strand, the complement: HSPG2 is on the minus strand). VCF-style: chr1-21885343-T-G. GRCh37 (hg19) VCF-style: chr1-22211836-T-G.
Other names: c.1187A>C, p.Asp396Ala (NM_001291860.2); short protein forms D396A.
Identifiers: ClinVar variation 1806891 (VCV001806891.6), dbSNP rs777592875, ClinGen allele CA673547.